The following is an entry in ClinVar:

NM_001377.3(DYNC2H1):c.12366+7G>A

Gene: DYNC2H1 (dynein cytoplasmic 2 heavy chain 1; plus strand). Cytogenetic location: 11q22.3.
Variant type: single nucleotide variant.
Coding change: c.12366+7G>A on transcript NM_001377.3 (MANE Select); 7 bases into the intron after coding-DNA position 12366, G replaced by A.
Molecular consequence: intron variant.
Genome position (GRCh38, 1-based): chr11:103,399,879, G>A. VCF-style: chr11-103399879-G-A. GRCh37 (hg19) VCF-style: chr11-103270607-G-A.
Other names: p.?; c.12387+7G>A (NM_001080463.2).
Identifiers: ClinVar variation 302120 (VCV000302120.31), dbSNP rs10895417, ClinGen allele CA6255515.

ClinVar aggregate classification (germline): Benign. Review status: criteria provided, multiple submitters, no conflicts (2 of 4 stars). 11 submissions from 11 submitters: Benign (8). 3 of the submissions do not count toward it. Last evaluated 2026-02-04.

Conditions:
Jeune thoracic dystrophy. Also called: Infantile thoracic dystrophy; Thoracic pelvic phalangeal dystrophy; Jeune's syndrome; Chondroectodermal dysplasia-like syndrome; Short-rib thoracic dysplasia; Jeune syndrome. Identifiers: Orphanet 474, MedGen C0265275, MONDO:0018770.
Asphyxiating thoracic dystrophy 3. Also called: SHORT-RIB THORACIC DYSPLASIA 3 WITH OR WITHOUT POLYDACTYLY; POLYDACTYLY WITH NEONATAL CHONDRODYSTROPHY, TYPE I; SHORT-RIB THORACIC DYSPLASIA 3/6 WITH POLYDACTYLY, DIGENIC; Short rib polydactyly syndrome 2B; Saldino-Noonan Syndrome. Identifiers: Orphanet 474, Orphanet 93269, Orphanet 93270, Orphanet 93271, MedGen C0036069, MONDO:0013127, OMIM 613091.

Allele frequency attached by ClinVar (database versions not stated): gnomAD exomes 0.49010; ExAC 0.49119; ESP Exome Variant Server 0.50422; gnomAD 0.51079 and 0.51175; TOPMed 0.51785; 1000 Genomes Project 0.53774; 1000 Genomes Project 30x 0.53919.
gnomAD v4.1: 756,041 of 1,605,638 alleles (47%); highest among the groups gnomAD compares: African/African-American, 62%; 180,693 homozygotes.

Submissions (11):

Labcorp Genetics (formerly Invitae), Labcorp
Classification: Benign for Jeune thoracic dystrophy. Last evaluated: 2026-02-04. Review status: criteria provided, single submitter. Criteria: Invitae Variant Classification Sherloc (09022015). Collection method: clinical testing. Allele origin: germline.

Blueprint Genetics
Classification: Benign. Last evaluated: 2024-11-27. Review status: criteria provided, single submitter. Criteria: ACMG Guidelines, 2015. Collection method: clinical testing. Allele origin: germline.

Mayo Clinic Laboratories, Mayo Clinic
Classification: Benign. Last evaluated: 2022-03-09. Review status: criteria provided, single submitter. Criteria: ACMG Guidelines, 2015. Collection method: clinical testing. Allele origin: germline. Observed: 56 variant alleles.

Genome-Nilou Lab
Classification: Benign for Asphyxiating thoracic dystrophy 3. Last evaluated: 2021-07-30. Review status: criteria provided, single submitter. Criteria: ACMG Guidelines, 2015. Collection method: clinical testing. Allele origin: germline. Affected: no.

Illumina Laboratory Services, Illumina
Classification: Benign for Asphyxiating thoracic dystrophy 3. Last evaluated: 2018-01-13. Review status: criteria provided, single submitter. Criteria: ICSL Variant Classification Criteria 13 December 2019. Collection method: clinical testing. Allele origin: germline.
Comment: This variant was observed in the ICSL laboratory as part of a predisposition screen in an ostensibly healthy population. It had not been previously curated by ICSL or reported in the Human Gene Mutation Database (HGMD: prior to June 1st, 2018), and was therefore a candidate for classification through an automated scoring system. Utilizing variant allele frequency, disease prevalence and penetrance estimates, and inheritance mode, an automated score was calculated to assess if this variant is too frequent to cause the disease. Based on the score and internal cut-off values, a variant classified as benign is not then subjected to further curation. The score for this variant resulted in a classification of benign for this disease.

Laboratory for Molecular Medicine, Mass General Brigham Personalized Medicine
Classification: Benign. Last evaluated: 2016-03-28. Review status: criteria provided, single submitter. Criteria: LMM Criteria. Collection method: clinical testing. Allele origin: germline.
Comment: Variant identified in a genome or exome case(s) and assessed due to predicted null impact of the variant or pathogenic assertions in the literature or databases. Disclaimer: This variant has not undergone full assessment. The following are preliminary notes: Frequency

GeneDx
Classification: Benign. Last evaluated: 2016-03-03. Review status: criteria provided, single submitter. Criteria: GeneDx Variant Classification (06012015). Collection method: clinical testing. Allele origin: germline. Affected: yes.
Comment: This variant is considered likely benign or benign based on one or more of the following criteria: it is a conservative change, it occurs at a poorly conserved position in the protein, it is predicted to be benign by multiple in silico algorithms, and/or has population frequency not consistent with disease.

Breakthrough Genomics
Classification: Benign. Review status: criteria provided, single submitter. Criteria: ACMG Guidelines, 2015. Collection method: not provided. Allele origin: germline. Inheritance: Autosomal recessive inheritance. Affected: yes.

Clinical Genetics DNA and cytogenetics Diagnostics Lab, Erasmus MC, Erasmus Medical Center
Classification: Benign. Review status: no assertion criteria provided. Collection method: clinical testing. Allele origin: germline. Affected: yes. Study: VKGL Data-share Consensus. Not counted in ClinVar's aggregate classification.

Diagnostic Laboratory, Department of Genetics, University Medical Center Groningen
Classification: Benign. Review status: no assertion criteria provided. Collection method: clinical testing. Allele origin: germline. Affected: yes. Study: VKGL Data-share Consensus. Not counted in ClinVar's aggregate classification.

Joint Genome Diagnostic Labs from Nijmegen and Maastricht, Radboudumc and MUMC+
Classification: Benign. Review status: no assertion criteria provided. Collection method: clinical testing. Allele origin: germline. Affected: yes. Study: VKGL Data-share Consensus. Not counted in ClinVar's aggregate classification.